The following is an entry in ClinVar:

ClinVar aggregate classification (germline): Pathogenic (1 of 4 stars; one submission).

Conditions:
Episodic kinesigenic dyskinesia (EKD). Also called: Paroxysmal kinesigenic dyskinesia. Identifiers: Orphanet 98809, MedGen C1868682, MONDO:0044202.

Submission:

Labcorp Genetics (formerly Invitae), Labcorp
Classification: Pathogenic for Episodic kinesigenic dyskinesia. Last evaluated: 2020-01-28. Review status: criteria provided, single submitter. Criteria: Invitae Variant Classification Sherloc (09022015). Collection method: clinical testing. Allele origin: germline.
Comment: For these reasons, this variant has been classified as Pathogenic. Loss-of-function variants in PRRT2 are known to be pathogenic (PMID: 22623405, 22744660). This variant has not been reported in the literature in individuals with PRRT2-related conditions. This variant is not present in population databases (ExAC no frequency). This sequence change creates a premature translational stop signal (p.Lys64Argfs*26) in the PRRT2 gene. It is expected to result in an absent or disrupted protein product.

Literature cited by the submitters: PubMed 22623405; PubMed 22744660.

NM_145239.3(PRRT2):c.189del (p.Lys64fs)

Genes: MVP-DT (MVP divergent transcript; minus strand), PRRT2 (proline rich transmembrane protein 2; plus strand). Cytogenetic location: 16p11.2.
Variant type: Deletion.
Coding change: c.189del on transcript NM_145239.3 (MANE Select); coding-DNA position 189, one base deleted (C; older notation c.189delC).
Protein change: p.Lys64fs; shifts the reading frame from lysine 64.
Molecular consequence: frameshift variant.
Genome position (GRCh38, 1-based): chr16:29,813,243, C deleted; the last of 3 consecutive C bases (chr16:29,813,241-29,813,243); deleting any one gives the same sequence. VCF-style (leftmost placement, unchanged base first): chr16-29813240-GC-G. GRCh37 (hg19) VCF-style: chr16-29824561-GC-G.
Other names: c.189del, p.Lys64fs (NM_001256442.2, NM_001256443.2); short protein forms K64fs.
Identifiers: ClinVar variation 947059 (VCV000947059.8), dbSNP rs1900067836, ClinGen allele CA1139664639.